The following is an entry in ClinVar:

NM_000017.4(ACADS):c.1112G>T (p.Gly371Val)

Gene: ACADS (acyl-CoA dehydrogenase short chain; plus strand). Cytogenetic location: 12q24.31.
Variant type: single nucleotide variant.
Coding change: c.1112G>T on transcript NM_000017.4 (MANE Select); coding-DNA position 1112, G replaced by T.
Protein change: p.Gly371Val; replaces glycine 371 with valine.
Molecular consequence: missense variant.
Genome position (GRCh38, 1-based): chr12:120,739,321, G>T. VCF-style: chr12-120739321-G-T. GRCh37 (hg19) VCF-style: chr12-121177124-G-T.
Other names: p.G371V:GGC>GTC; c.1100G>T, p.Gly367Val (NM_001302554.2); short protein forms G371V, G367V.
Identifiers: ClinVar variation 203563 (VCV000203563.10), dbSNP rs796051905, ClinGen allele CA312234.

ClinVar aggregate classification (germline): Conflicting classifications of pathogenicity. Review status: criteria provided, conflicting classifications (1 of 4 stars). 5 submissions from 5 submitters: Pathogenic (1); Likely pathogenic (2); Uncertain significance (1). 1 of the submissions does not count toward it. Last evaluated 2025-07-30.

Conditions:
Deficiency of butyryl-CoA dehydrogenase (ACADSD). Also called: SCADH DEFICIENCY; Short-Chain Acyl-CoA Dehydrogenase Deficiency; SCAD Deficiency; ACADS DEFICIENCY; SCAD DEFICIENCY, MILD; ACYL-CoA DEHYDROGENASE, SHORT-CHAIN, DEFICIENCY OF. Identifiers: Orphanet 26792, MedGen C0342783, MONDO:0008722, OMIM 201470. Disease mechanism: May be benign.

Allele frequency attached by ClinVar (database versions not stated): gnomAD 0.00001; TOPMed 0.00001.
gnomAD v4.1: 15 of 1,612,942 alleles (0.00093%); highest among the groups gnomAD compares: Middle Eastern, 0.033%; 1 homozygote.

Submissions (5):

Labcorp Genetics (formerly Invitae), Labcorp
Classification: Uncertain significance for Deficiency of butyryl-CoA dehydrogenase. Last evaluated: 2025-07-30. Review status: criteria provided, single submitter. Criteria: Invitae Variant Classification Sherloc (09022015). Collection method: clinical testing. Allele origin: germline.
Comment: This sequence change replaces glycine, which is neutral and non-polar, with valine, which is neutral and non-polar, at codon 371 of the ACADS protein (p.Gly371Val). This variant is not present in population databases (gnomAD no frequency). This missense change has been observed in individual(s) with clinical features of ACADS-related conditions (PMID: 18523805; internal data). ClinVar contains an entry for this variant (Variation ID: 203563). Invitae Evidence Modeling of protein sequence and biophysical properties (such as structural, functional, and spatial information, amino acid conservation, physicochemical variation, residue mobility, and thermodynamic stability) indicates that this missense variant is expected to disrupt ACADS protein function with a positive predictive value of 95%. In summary, the available evidence is currently insufficient to determine the role of this variant in disease. Therefore, it has been classified as a Variant of Uncertain Significance.

First Genomix Gene Laboratory, Genetic Diagnostics Department
Classification: Likely pathogenic for Deficiency of butyryl-CoA dehydrogenase. Last evaluated: 2025-05-07. Review status: criteria provided, single submitter. Criteria: ACMG Guidelines, 2015. Collection method: clinical testing. Allele origin: germline. Inheritance: Autosomal recessive inheritance. Affected: no. Observed: 1 variant allele.

Genomic Medicine Center of Excellence, King Faisal Specialist Hospital and Research Centre
Classification: Likely pathogenic for Deficiency of butyryl-CoA dehydrogenase. Last evaluated: 2024-04-04. Review status: criteria provided, single submitter. Criteria: ACMG Guidelines, 2015. Collection method: clinical testing. Allele origin: germline.

GeneDx
Classification: Pathogenic. Last evaluated: 2016-07-21. Review status: criteria provided, single submitter. Criteria: GeneDx Variant Classification (06012015). Collection method: clinical testing. Allele origin: germline. Affected: yes.
Comment: The G371V variant was shown to affect the function of the SCAD enzyme in vitro (Pedersen et al., 2008). The G371V variant was not observed in approximately 6,500 individuals of European and African American ancestry in the NHLBI Exome Sequencing Project, indicating it is not a common benign variant in these populations. The G371V variant is a conservative aminoacid substitution, which is not likely to impact secondary protein structure as these residues share similar properties. This substitution occurs at a position that is conserved across species. We interpret G371V as a disease-causing variant.

Counsyl
Classification: Uncertain significance for Deficiency of butyryl-CoA dehydrogenase. Last evaluated: 2017-02-09. Review status: no assertion criteria provided. Collection method: clinical testing. Allele origin: unknown. Not counted in ClinVar's aggregate classification.

Literature cited by the submitters: PubMed 18523805 (cited by Labcorp Genetics (formerly Invitae), Labcorp and Counsyl).